The following is an entry in ClinVar:

NM_014140.4(SMARCAL1):c.736G>A (p.Asp246Asn)

Gene: SMARCAL1 (SNF2 related chromatin remodeling annealing helicase 1; plus strand). Cytogenetic location: 2q35.
Variant type: single nucleotide variant.
Coding change: c.736G>A on transcript NM_014140.4 (MANE Select); coding-DNA position 736, G replaced by A.
Protein change: p.Asp246Asn; replaces aspartic acid 246 with asparagine.
Molecular consequence: missense variant.
Genome position (GRCh38, 1-based): chr2:216,415,440, G>A. VCF-style: chr2-216415440-G-A. GRCh37 (hg19) VCF-style: chr2-217280163-G-A.
Other names: c.736G>A, p.Asp246Asn (NM_001127207.2); short protein forms D246N.
Identifiers: ClinVar variation 3058475 (VCV003058475.2), dbSNP rs534474398, ClinGen allele CA2097649.

ClinVar aggregate classification (germline): Uncertain significance (0 of 4 stars; one submission).

Conditions:
SMARCAL1-related disorder. Also called: SMARCAL1-related condition.

Allele frequency attached by ClinVar (database versions not stated): ExAC 0.00001; gnomAD exomes 0.00001; 1000 Genomes Project 30x 0.00016; 1000 Genomes Project 0.00020.
gnomAD v4.1: 11 of 1,614,194 alleles (0.00068%); highest among the groups gnomAD compares: East Asian, 0.0045%; no homozygotes.

Submission:

PreventionGenetics, part of Exact Sciences
Classification: Uncertain significance for SMARCAL1-related condition. Last evaluated: 2024-02-09. Review status: no assertion criteria provided. Collection method: clinical testing. Allele origin: germline.
Comment: The SMARCAL1 c.736G>A variant is predicted to result in the amino acid substitution p.Asp246Asn. To our knowledge, this variant has not been reported in the literature. This variant is reported in 0.011% of alleles in individuals of East Asian descent in gnomAD. At this time, the clinical significance of this variant is uncertain due to the absence of conclusive functional and genetic evidence.